The following is an entry in ClinVar:

NM_170606.3(KMT2C):c.7841G>T (p.Gly2614Val)

Gene: KMT2C (lysine methyltransferase 2C; minus strand). Cytogenetic location: 7q36.1.
Variant type: single nucleotide variant.
Coding change: c.7841G>T on transcript NM_170606.3 (MANE Select); coding-DNA position 7841, G replaced by T.
Protein change: p.Gly2614Val; replaces glycine 2614 with valine.
Molecular consequence: missense variant.
Genome position (GRCh38, 1-based): chr7:152,177,612, C>A on the plus strand (G>T on the coding strand, the complement: KMT2C is on the minus strand). VCF-style: chr7-152177612-C-A. GRCh37 (hg19) VCF-style: chr7-151874697-C-A.
Other names: short protein forms G2614V.
Identifiers: ClinVar variation 996875 (VCV000996875.3), dbSNP rs767634921, ClinGen allele CA4579752.

ClinVar aggregate classification (germline): Conflicting classifications of pathogenicity. Review status: criteria provided, conflicting classifications (1 of 4 stars). 3 submissions from 3 submitters: Uncertain significance (2); Likely benign (1). Last evaluated 2025-10-06.

Conditions:
Inborn genetic diseases. Identifiers: MedGen C0950123, MeSH D030342.
Kleefstra syndrome 2 (KLEFS2). Identifiers: MedGen C4540395, MONDO:0054701, OMIM 617768.

Allele frequency attached by ClinVar (database versions not stated): ExAC 0.00001; gnomAD 0.00001; gnomAD exomes 0.00001; TOPMed 0.00002.
gnomAD v4.1: 6 of 1,613,942 alleles (0.00037%); highest among the groups gnomAD compares: Admixed American, 0.01%; no homozygotes.

Submissions (3):

Ambry Genetics
Classification: Uncertain significance for Inborn genetic diseases. Last evaluated: 2025-10-06. Review status: criteria provided, single submitter. Criteria: Ambry Variant Classification Scheme 2023. Collection method: clinical testing. Allele origin: germline.

Labcorp Genetics (formerly Invitae), Labcorp
Classification: Likely benign. Last evaluated: 2025-09-07. Review status: criteria provided, single submitter. Criteria: Invitae Variant Classification Sherloc (09022015). Collection method: clinical testing. Allele origin: germline.

New York Genome Center
Classification: Uncertain significance for Kleefstra syndrome 2. Last evaluated: 2019-09-26. Review status: criteria provided, single submitter. Criteria: NYGC Assertion Criteria 2020. Collection method: clinical testing. Allele origin: germline. Inheritance: Autosomal dominant inheritance. Observed: 1 heterozygote. Study: CSER-NYCKidSeq.
Comment: The c.7841G>T (p.Gly2614Val) variant identified in the KMT2C gene substitutes a well conserved Glycine for Valine at amino acid 2614/4912 (coding exon 38/59). This variant is found with low frequency in gnomAD (3 heterozygotes, 0 homozygotes; allele frequency: 1.19e-5) and ExAC (1 heterozygote, 0 homozygotes; allele frequency: 8.24e-6), suggesting it is not a common benign variant in the populations represented in these databases. In silico algorithms predict this variant to be Deleterious (Provean; score: -3.25) and Damaging (SIFT; score: 0.007) to the function of the canonical transcript. This variant is absent from ClinVar and does not map to a specific domain of KMT2C. To our current knowledge it has not been reported in affected individuals in the literature. Given the lack of compelling information supporting the pathogenicity of the c.7841G>T (p.Gly2614Val) variant identified in the KMT2C gene, it is reported here as a Variant of Uncertain Significance.